The following is an entry in ClinVar:

ClinVar aggregate classification (germline): Uncertain significance. Review status: criteria provided, multiple submitters, no conflicts (2 of 4 stars). 2 submissions from 2 submitters: Uncertain significance (2). Last evaluated 2025-10-21.

Conditions:
Isolated cryptophthalmia. Also called: Cryptophthalmos, unilateral or bilateral, isolated; ANKYLOBLEPHARON, SIMPLE. Identifiers: Orphanet 91396, MedGen C1852453, MONDO:0007410, OMIM 123570.
Fraser syndrome 2 (FRASRS2). Identifiers: MedGen C4540036, MONDO:0054738, OMIM 617666.

Allele frequency attached by ClinVar (database versions not stated): gnomAD exomes 0.00001; ExAC 0.00002; gnomAD 0.00002 and 0.00003; TOPMed 0.00003; 1000 Genomes Project 0.00020; 1000 Genomes Project 30x 0.00031.
gnomAD v4.1: 12 of 1,614,102 alleles (0.00074%); highest among the groups gnomAD compares: Admixed American, 0.018%; no homozygotes.

Submissions (2):

Labcorp Genetics (formerly Invitae), Labcorp
Classification: Uncertain significance. Last evaluated: 2025-10-21. Review status: criteria provided, single submitter. Criteria: Invitae Variant Classification Sherloc (09022015). Collection method: clinical testing. Allele origin: germline.
Comment: This sequence change replaces proline, which is neutral and non-polar, with serine, which is neutral and polar, at codon 3155 of the FREM2 protein (p.Pro3155Ser). This variant is present in population databases (rs555402630, gnomAD 0.01%). This variant has not been reported in the literature in individuals affected with FREM2-related conditions. ClinVar contains an entry for this variant (Variation ID: 1404843). Invitae Evidence Modeling of protein sequence and biophysical properties (such as structural, functional, and spatial information, amino acid conservation, physicochemical variation, residue mobility, and thermodynamic stability) indicates that this missense variant is not expected to disrupt FREM2 protein function with a negative predictive value of 80%. In summary, the available evidence is currently insufficient to determine the role of this variant in disease. Therefore, it has been classified as a Variant of Uncertain Significance.

Fulgent Genetics
Classification: Uncertain significance for Isolated cryptophthalmia; Fraser syndrome 2. Last evaluated: 2021-12-20. Review status: criteria provided, single submitter. Criteria: ACMG Guidelines, 2015. Collection method: clinical testing. Allele origin: unknown.

NM_207361.6(FREM2):c.9463C>T (p.Pro3155Ser)

Gene: FREM2 (FRAS1 related extracellular matrix 2; plus strand). Cytogenetic location: 13q13.3.
Variant type: single nucleotide variant.
Coding change: c.9463C>T on transcript NM_207361.6 (MANE Select); coding-DNA position 9463, C replaced by T.
Protein change: p.Pro3155Ser; replaces proline 3155 with serine.
Molecular consequence: missense variant.
Genome position (GRCh38, 1-based): chr13:38,880,740, C>T. VCF-style: chr13-38880740-C-T. GRCh37 (hg19) VCF-style: chr13-39454877-C-T.
Other names: short protein forms P3155S.
Identifiers: ClinVar variation 1404843 (VCV001404843.5), dbSNP rs555402630, ClinGen allele CA6956400.